The following is an entry in ClinVar:

NM_005660.3(SLC35A2):c.136C>T (p.Gln46Ter)

Gene: SLC35A2 (solute carrier family 35 member A2; minus strand). Cytogenetic location: Xp11.23.
Variant type: single nucleotide variant.
Coding change: c.136C>T on transcript NM_005660.3 (MANE Select); coding-DNA position 136, C replaced by T.
Protein change: p.Gln46Ter; replaces glutamine 46 with a stop codon.
Molecular consequence: nonsense. On other transcripts: intron variant (1).
Genome position (GRCh38, 1-based): chrX:48,909,952, G>A on the plus strand (C>T on the coding strand, the complement: SLC35A2 is on the minus strand). VCF-style: chrX-48909952-G-A. GRCh37 (hg19) VCF-style: chrX-48767229-G-A.
Other names: c.136C>T, p.Gln46Ter (NM_001032289.3, NM_001042498.3, NM_001282647.2); c.64C>T, p.Gln22Ter (NM_001282648.2); c.175C>T, p.Gln59Ter (NM_001282650.2); c.220C>T, p.Gln74Ter (NM_001282651.2); c.91+1594C>T (NM_001282649.2); short protein forms Q74*, Q22*, Q46*, Q59*.
Identifiers: ClinVar variation 1457955 (VCV001457955.6), dbSNP rs2147496735, ClinGen allele CA412897972.

ClinVar aggregate classification (germline): Pathogenic (1 of 4 stars; one submission).

Conditions:
SLC35A2-congenital disorder of glycosylation. Also called: EPILEPTIC ENCEPHALOPATHY, EARLY INFANTILE, 22; CONGENITAL DISORDER OF GLYCOSYLATION, TYPE IIm; CDG IIm; CONGENITAL DISORDER OF GLYCOSYLATION, TYPE IIm, SOMATIC MOSAIC; SLC35A2-CDG; DEVELOPMENTAL AND EPILEPTIC ENCEPHALOPATHY 22. Identifiers: Orphanet 356961, MedGen C3806688, MONDO:0010478, OMIM 300896.

Submission:

Labcorp Genetics (formerly Invitae), Labcorp
Classification: Pathogenic for SLC35A2-congenital disorder of glycosylation. Last evaluated: 2021-04-29. Review status: criteria provided, single submitter. Criteria: Invitae Variant Classification Sherloc (09022015). Collection method: clinical testing. Allele origin: germline.
Comment: This variant has not been reported in the literature in individuals with SLC35A2-related conditions. For these reasons, this variant has been classified as Pathogenic. This variant is not present in population databases (ExAC no frequency). This sequence change creates a premature translational stop signal (p.Gln46*) in the SLC35A2 gene. It is expected to result in an absent or disrupted protein product. Loss-of-function variants in SLC35A2 are known to be pathogenic (PMID: 23561849, 24115232, 25262651).

Literature cited by the submitters: PubMed 23561849; PubMed 24115232; PubMed 25262651.